The following is an entry in ClinVar:

NM_007363.5(NONO):c.1289C>G (p.Pro430Arg)

Gene: NONO (non-POU domain containing octamer binding; plus strand). Cytogenetic location: Xq13.1.
Variant type: single nucleotide variant.
Coding change: c.1289C>G on transcript NM_007363.5 (MANE Select); coding-DNA position 1289, C replaced by G.
Protein change: p.Pro430Arg; replaces proline 430 with arginine.
Molecular consequence: missense variant.
Genome position (GRCh38, 1-based): chrX:71,299,949, C>G. VCF-style: chrX-71299949-C-G. GRCh37 (hg19) VCF-style: chrX-70519799-C-G.
Other names: c.1289C>G, p.Pro430Arg (NM_001145408.2, NM_001145409.2); c.1022C>G, p.Pro341Arg (NM_001145410.2); short protein forms P341R, P430R.
Identifiers: ClinVar variation 3393576 (VCV003393576.1).

ClinVar aggregate classification (germline): Uncertain significance (1 of 4 stars; one submission).

Submission:

GeneDx
Classification: Uncertain significance. Last evaluated: 2024-06-29. Review status: criteria provided, single submitter. Criteria: GeneDx Variant Classification Process June 2021. Collection method: clinical testing. Allele origin: germline. Affected: yes.
Comment: Not observed at significant frequency in large population cohorts (gnomAD); In silico analysis indicates that this missense variant does not alter protein structure/function; Has not been previously published as pathogenic or benign to our knowledge